The following is an entry in ClinVar:

NM_005475.3(SH2B3):c.1159G>A (p.Gly387Arg)

Gene: SH2B3 (SH2B adaptor protein 3; plus strand). Cytogenetic location: 12q24.12.
Variant type: single nucleotide variant.
Coding change: c.1159G>A on transcript NM_005475.3 (MANE Select); coding-DNA position 1159, G replaced by A.
Protein change: p.Gly387Arg; replaces glycine 387 with arginine.
Molecular consequence: missense variant.
Genome position (GRCh38, 1-based): chr12:111,447,467, G>A. VCF-style: chr12-111447467-G-A. GRCh37 (hg19) VCF-style: chr12-111885271-G-A.
Other names: c.553G>A, p.Gly185Arg (NM_001291424.1); short protein forms G387R, G185R.
Identifiers: ClinVar variation 3795248 (VCV003795248.1).
Genomic context (GRCh38, chr12:111,447,467, plus strand): 5'-GGCCCCATCTCCAGAGTGAAAGCAGCTCAGCTGGTTCAGCTGCAGGGCCCTGATGCTCAT[G>A]GAGTGTTCCTGGTGCGGCAGAGCGAGACGCGGCGTGGGGAATACGTGCTCACTTTCAACT-3'
Protein context (NP_005466.1, residues 377-397): LVQLQGPDAH[Gly387Arg]VFLVRQSETR

ClinVar aggregate classification (germline): Uncertain significance (1 of 4 stars; one submission).

Conditions:
Inborn genetic diseases. Identifiers: MedGen C0950123, MeSH D030342.

Submission:

Ambry Genetics
Classification: Uncertain significance for Inborn genetic diseases. Last evaluated: 2025-03-10. Review status: criteria provided, single submitter. Criteria: Ambry Variant Classification Scheme 2023. Collection method: clinical testing. Allele origin: germline.
Comment: The p.G387R variant (also known as c.1159G>A), located in coding exon 5 of the SH2B3 gene, results from a G to A substitution at nucleotide position 1159. The glycine at codon 387 is replaced by arginine, an amino acid with dissimilar properties. This amino acid position is conserved. In addition, this alteration is predicted to be deleterious by in silico analysis. Based on the available evidence, the clinical significance of this variant remains unclear.